The following is an entry in ClinVar:

ClinVar aggregate classification (germline): Uncertain significance. Review status: criteria provided, multiple submitters, no conflicts (2 of 4 stars). 3 submissions from 3 submitters: Uncertain significance (3). Last evaluated 2025-01-13.

Conditions:
Anauxetic dysplasia. Identifiers: Orphanet 93347, MedGen C1846796, MONDO:0011773.

Allele frequency attached by ClinVar (database versions not stated): gnomAD 0.00009 and 0.00010; TOPMed 0.00010.

Submissions (3):

Labcorp Genetics (formerly Invitae), Labcorp
Classification: Uncertain significance for Anauxetic dysplasia. Last evaluated: 2025-01-13. Review status: criteria provided, single submitter. Criteria: Invitae Variant Classification Sherloc (09022015). Collection method: clinical testing. Allele origin: germline.
Comment: This variant occurs in the RMRP gene, which encodes an RNA molecule that does not result in a protein product. This variant is present in population databases (no rsID available, gnomAD 0.03%). This variant has not been reported in the literature in individuals affected with RMRP-related conditions. Experimental studies and prediction algorithms are not available or were not evaluated, and the functional significance of this variant is currently unknown. In summary, the available evidence is currently insufficient to determine the role of this variant in disease. Therefore, it has been classified as a Variant of Uncertain Significance.

Women's Health and Genetics/Laboratory Corporation of America, LabCorp
Classification: Uncertain significance. Last evaluated: 2024-09-17. Review status: criteria provided, single submitter. Criteria: LabCorp Variant Classification Summary - May 2015. Collection method: clinical testing. Allele origin: germline.
Comment: Variant summary: RMRP n.273T>C (also known as n.272T>C or n.*7T>C) is located in the untranscribed region downstream of the RMRP gene region. The variant allele was found at a frequency of 0.00011 in 151766 control chromosomes. This frequency is not significantly higher than estimated for a pathogenic variant in RMRP causing Cartilage-Hair Hypoplasia (0.00011 vs 0.0072), allowing no conclusion about variant significance. To our knowledge, no occurrence of n.273T>C in individuals affected with Cartilage-Hair Hypoplasia and no experimental evidence demonstrating its impact on protein function have been reported. ClinVar contains an entry for this variant (Variation ID: 1176567). Based on the evidence outlined above, the variant was classified as uncertain significance.

CeGaT Center for Human Genetics Tuebingen
Classification: Uncertain significance. Last evaluated: 2021-05-01. Review status: criteria provided, single submitter. Criteria: CeGaT Center For Human Genetics Tuebingen Variant Classification Criteria Version 2. Collection method: clinical testing. Allele origin: germline. Affected: yes. Observed: 1 variant allele.

NC_000009.12:g.35657746A>G

Gene: RMRP (RNA component of mitochondrial RNA processing endoribonuclease; minus strand). Cytogenetic location: 9p13.3.
Variant type: single nucleotide variant.
Genome position: GRCh38 VCF-style: chr9-35657746-A-G. GRCh37 (hg19) VCF-style: chr9-35657743-A-G.
Identifiers: ClinVar variation 1176567 (VCV001176567.42), dbSNP rs749839597, ClinGen allele CA192745515.